The following is an entry in ClinVar:

NM_020312.4(COQ9):c.676G>A (p.Asp226Asn)

Gene: COQ9 (coenzyme Q9; plus strand). Cytogenetic location: 16q21.
Variant type: single nucleotide variant.
Coding change: c.676G>A on transcript NM_020312.4 (MANE Select); coding-DNA position 676, G replaced by A.
Protein change: p.Asp226Asn; replaces aspartic acid 226 with asparagine.
Molecular consequence: missense variant.
Genome position (GRCh38, 1-based): chr16:57,458,315, G>A. VCF-style: chr16-57458315-G-A. GRCh37 (hg19) VCF-style: chr16-57492227-G-A.
Other names: short protein forms D226N.
Identifiers: ClinVar variation 1896374 (VCV001896374.2), dbSNP rs774770322, ClinGen allele CA8076305.

ClinVar aggregate classification (germline): Uncertain significance (1 of 4 stars; one submission).

Allele frequency attached by ClinVar (database versions not stated): gnomAD exomes 0.00001; ExAC 0.00002; TOPMed 0.00002.

Submission:

Labcorp Genetics (formerly Invitae), Labcorp
Classification: Uncertain significance. Last evaluated: 2022-07-29. Review status: criteria provided, single submitter. Criteria: Invitae Variant Classification Sherloc (09022015). Collection method: clinical testing. Allele origin: germline.
Comment: This sequence change replaces aspartic acid, which is acidic and polar, with asparagine, which is neutral and polar, at codon 226 of the COQ9 protein (p.Asp226Asn). This variant is present in population databases (rs774770322, gnomAD 0.01%). This variant has not been reported in the literature in individuals affected with COQ9-related conditions. Algorithms developed to predict the effect of missense changes on protein structure and function are either unavailable or do not agree on the potential impact of this missense change (SIFT: "Deleterious"; PolyPhen-2: "Probably Damaging"; Align-GVGD: "Class C15"). In summary, the available evidence is currently insufficient to determine the role of this variant in disease. Therefore, it has been classified as a Variant of Uncertain Significance.